The following is an entry in ClinVar:

ClinVar aggregate classification (germline): Likely benign (1 of 4 stars; one submission).

Submission:

Mayo Clinic Laboratories, Mayo Clinic
Classification: Likely benign. Last evaluated: 2025-02-14. Review status: criteria provided, single submitter. Criteria: ACMG Guidelines, 2015. Collection method: clinical testing. Allele origin: germline. Observed: 3 variant alleles.
Comment: BA1, BP7

NM_000642.3(AGL):c.3588+42_3588+44del

Gene: AGL (amylo-alpha-1,6-glucosidase and 4-alpha-glucanotransferase; plus strand). Cytogenetic location: 1p21.2.
Variant type: Deletion.
Coding change: c.3588+42_3588+44del on transcript NM_000642.3 (MANE Select); bases 42 to 44 of the intron after coding-DNA position 3588, 3 bases deleted (TTT; older notation c.3588+42_3588+44delTTT).
Molecular consequence: intron variant.
Genome position (GRCh38, 1-based): chr1:99,900,903-99,900,905, TTT deleted; deleting any 3 consecutive bases within chr1:99,900,891-99,900,905 gives the same sequence; the c. name uses the placement nearest the transcript's 3' end. VCF-style (leftmost placement, unchanged base first): chr1-99900890-GTTT-G. GRCh37 (hg19) VCF-style: chr1-100366446-GTTT-G.
Other names: p.?; c.3588+42_3588+44del (NM_000643.3, NM_000644.3, NM_001425325.1 and 1 more transcripts); c.3540+42_3540+44del (NM_000646.3); c.3567+42_3567+44del (NM_001425326.1); c.3387+42_3387+44del (NM_001425327.1); c.3384+42_3384+44del (NM_001425328.1); c.3249+42_3249+44del (NM_001425329.1); c.3210+42_3210+44del (NM_001425332.1).
Identifiers: ClinVar variation 4683323 (VCV004683323.1).